The following is an entry in ClinVar:

NM_153704.6(TMEM67):c.1253T>G (p.Leu418Arg)

Gene: TMEM67 (transmembrane protein 67; plus strand). Cytogenetic location: 8q22.1.
Variant type: single nucleotide variant.
Coding change: c.1253T>G on transcript NM_153704.6 (MANE Select); coding-DNA position 1253, T replaced by G.
Protein change: p.Leu418Arg; replaces leucine 418 with arginine.
Molecular consequence: missense variant. On other transcripts: non-coding transcript variant (1).
Genome position (GRCh38, 1-based): chr8:93,785,343, T>G. VCF-style: chr8-93785343-T-G. GRCh37 (hg19) VCF-style: chr8-94797571-T-G.
Other names: c.1010T>G, p.Leu337Arg (NM_001142301.1); short protein forms L418R, L337R.
Identifiers: ClinVar variation 4984399 (VCV004984399.1).

ClinVar aggregate classification (germline): Uncertain significance (1 of 4 stars; one submission).

Conditions:
TMEM67-related disorder. Also called: TMEM67-related condition; TMEM67-related disorders. Identifiers: MedGen CN239423.

gnomAD v4.1: 2 of 1,612,238 alleles (0.00012%); highest among the groups gnomAD compares: Non-Finnish European, 0.00017%; no homozygotes.

Submission:

PreventionGenetics, part of Exact Sciences
Classification: Uncertain significance for TMEM67-related condition. Last evaluated: 2025-08-20. Review status: criteria provided, single submitter. Criteria: ACMG Guidelines, 2015. Collection method: clinical testing. Allele origin: germline.
Comment: The TMEM67 c.1253T>G variant is predicted to result in the amino acid substitution p.Leu418Arg. To our knowledge, this variant has not been reported in the literature or in a large population database (gnomAD), indicating this variant is rare. At this time, the clinical significance of this variant is uncertain due to the absence of conclusive functional and genetic evidence.